The following is an entry in ClinVar:

ClinVar aggregate classification (germline): Uncertain significance (1 of 4 stars; one submission).

Conditions:
Holoprosencephaly 7 (HPE7). Identifiers: Orphanet 2162, MedGen C1835820, MONDO:0012562, OMIM 610828.

Submission:

3billion
Classification: Uncertain significance for Holoprosencephaly 7. Last evaluated: 2026-01-28. Review status: criteria provided, single submitter. Criteria: ACMG Guidelines, 2015. Collection method: clinical testing. Allele origin: germline. Affected: yes.
Comment: The variant is not observed in the gnomAD v4.1.0 dataset. Predicted Consequence/Location: Missense variant In silico tool predictions suggest damaging effect of the variant on gene or gene product [REVEL: 0.87 (>=0.6, sensitivity 0.68 and specificity 0.92)]. Different missense changes at the same codon have been reported as of uncertain significance (ClinVar ID: VCV001503837). Therefore, this variant is classified as VUS according to the recommendation of ACMG/AMP guideline.

NM_000264.5(PTCH1):c.533A>C (p.His178Pro)

Gene: PTCH1 (patched 1; minus strand). Cytogenetic location: 9q22.32.
Variant type: single nucleotide variant.
Coding change: c.533A>C on transcript NM_000264.5 (MANE Select); coding-DNA position 533, A replaced by C.
Protein change: p.His178Pro; replaces histidine 178 with proline.
Molecular consequence: missense variant. On other transcripts: non-coding transcript variant (1).
Genome position (GRCh38, 1-based): chr9:95,485,736, T>G on the plus strand (A>C on the coding strand, the complement: PTCH1 is on the minus strand). VCF-style: chr9-95485736-T-G. GRCh37 (hg19) VCF-style: chr9-98248018-T-G.
Other names: c.335A>C, p.His112Pro (NM_001083602.3, NM_001354919.2); c.530A>C, p.His177Pro (NM_001083603.3); c.80A>C, p.His27Pro (NM_001083604.3, NM_001083605.3, NM_001083606.3 and 1 more transcripts); c.533A>C, p.His178Pro (NM_001354918.2); short protein forms H112P, H177P, H178P, H27P.
Identifiers: ClinVar variation 4853890 (VCV004853890.1).